The following is an entry in ClinVar:

ClinVar aggregate classification (germline): Likely benign (1 of 4 stars; one submission).

Allele frequency attached by ClinVar (database versions not stated): 1000 Genomes Project 30x 0.00593; 1000 Genomes Project 0.00599; TOPMed 0.01027; gnomAD 0.01070 and 0.01098.
gnomAD v4.1: 1,626 of 152,352 alleles (1.1%); highest among the groups gnomAD compares: Non-Finnish European, 1.7%; 6 homozygotes.

Submission:

GeneDx
Classification: Likely benign. Last evaluated: 2018-06-14. Review status: criteria provided, single submitter. Criteria: GeneDx Variant Classification (06012015). Collection method: clinical testing. Allele origin: germline. Affected: yes.
Comment: This variant is considered likely benign or benign based on one or more of the following criteria: it is a conservative change, it occurs at a poorly conserved position in the protein, it is predicted to be benign by multiple in silico algorithms, and/or has population frequency not consistent with disease.

NM_005902.4(SMAD3):c.1009+159T>C

Gene: SMAD3 (SMAD family member 3; plus strand). Cytogenetic location: 15q22.33.
Variant type: single nucleotide variant.
Coding change: c.1009+159T>C on transcript NM_005902.4 (MANE Select); 159 bases into the intron after coding-DNA position 1009, T replaced by C.
Molecular consequence: intron variant.
Genome position (GRCh38, 1-based): chr15:67,185,023, T>C. VCF-style: chr15-67185023-T-C. GRCh37 (hg19) VCF-style: chr15-67477361-T-C.
Other names: c.694+159T>C (NM_001145102.2); c.877+159T>C (NM_001145103.2); c.424+159T>C (NM_001145104.2).
Identifiers: ClinVar variation 675299 (VCV000675299.1), dbSNP rs117564349, ClinGen allele CA272394412.